The following is an entry in ClinVar:

NM_025137.4(SPG11):c.3989A>G (p.Gln1330Arg)

Gene: SPG11 (SPG11 vesicle trafficking associated, spatacsin; minus strand). Cytogenetic location: 15q21.1.
Variant type: single nucleotide variant.
Coding change: c.3989A>G on transcript NM_025137.4 (MANE Select); coding-DNA position 3989, A replaced by G.
Protein change: p.Gln1330Arg; replaces glutamine 1330 with arginine.
Molecular consequence: missense variant.
Genome position (GRCh38, 1-based): chr15:44,598,277, T>C on the plus strand (A>G on the coding strand, the complement: SPG11 is on the minus strand). VCF-style: chr15-44598277-T-C. GRCh37 (hg19) VCF-style: chr15-44890475-T-C.
Other names: c.3989A>G, p.Gln1330Arg (NM_001160227.2); short protein forms Q1330R.
Identifiers: ClinVar variation 1029952 (VCV001029952.1), dbSNP rs2083094391, ClinGen allele CA392229691.

ClinVar aggregate classification (germline): Uncertain significance (1 of 4 stars; one submission).

Conditions:
Amyotrophic lateral sclerosis type 5 (ALS5). Also called: AMYOTROPHIC LATERAL SCLEROSIS 5, JUVENILE. Identifiers: Orphanet 300605, MedGen C1865864, MONDO:0011196, OMIM 602099.

Submission:

Baylor Genetics
Classification: Uncertain significance for Amyotrophic lateral sclerosis type 5. Last evaluated: 2019-12-24. Review status: criteria provided, single submitter. Criteria: ACMG Guidelines, 2015. Collection method: clinical testing. Allele origin: unknown. Affected: yes.
Comment: This variant was determined to be of uncertain significance according to ACMG Guidelines, 2015 [PMID:25741868].